The following is an entry in ClinVar:

NM_017849.4(TMEM127):c.337C>A (p.Leu113Met)

Gene: TMEM127 (transmembrane protein 127; minus strand). Cytogenetic location: 2q11.2.
Variant type: single nucleotide variant.
Coding change: c.337C>A on transcript NM_017849.4 (MANE Select); coding-DNA position 337, C replaced by A.
Protein change: p.Leu113Met; replaces leucine 113 with methionine.
Molecular consequence: missense variant.
Genome position (GRCh38, 1-based): chr2:96,254,905, G>T on the plus strand (C>A on the coding strand, the complement: TMEM127 is on the minus strand). VCF-style: chr2-96254905-G-T. GRCh37 (hg19) VCF-style: chr2-96920643-G-T.
Other names: c.337C>A (NM_017849.3); c.337C>A, p.Leu113Met (NM_001193304.3); short protein forms L113M.
Identifiers: ClinVar variation 1470835 (VCV001470835.9), dbSNP rs2104287288, ClinGen allele CA347653412.

ClinVar aggregate classification (germline): Uncertain significance. Review status: criteria provided, multiple submitters, no conflicts (2 of 4 stars). 2 submissions from 2 submitters: Uncertain significance (2). Last evaluated 2024-10-14.

Conditions:
Hereditary cancer-predisposing syndrome. Also called: Tumor predisposition; Hereditary Cancer Syndrome; Hereditary neoplastic syndrome; Neoplastic Syndromes, Hereditary. Identifiers: Orphanet 140162, MedGen C0027672, MeSH D009386, MONDO:0015356.
Hereditary pheochromocytoma and paraganglioma. Also called: Hereditary paragangliomas and pheochromocytomas; Hereditary Paraganglioma-Pheochromocytoma Syndromes; Hereditary pheochromocytoma-paraganglioma. Identifiers: Orphanet 29072, MedGen C4274332, MONDO:0017366.

Allele frequency attached by ClinVar (database versions not stated): gnomAD exomes below 0.00001.
gnomAD v4.1: 1 of 1,614,154 alleles (0.000062%); highest among the groups gnomAD compares: Non-Finnish European, 0.000085%; no homozygotes.

Submissions (2):

Ambry Genetics
Classification: Uncertain significance for Hereditary cancer-predisposing syndrome. Last evaluated: 2024-10-14. Review status: criteria provided, single submitter. Criteria: Ambry Variant Classification Scheme 2023. Collection method: clinical testing. Allele origin: germline.
Comment: The p.L113M variant (also known as c.337C>A), located in coding exon 2 of the TMEM127 gene, results from a C to A substitution at nucleotide position 337. The leucine at codon 113 is replaced by methionine, an amino acid with highly similar properties. This amino acid position is conserved. In addition, the in silico prediction for this alteration is inconclusive. Based on the available evidence, the clinical significance of this variant remains unclear.

Labcorp Genetics (formerly Invitae), Labcorp
Classification: Uncertain significance for Hereditary pheochromocytoma and paraganglioma. Last evaluated: 2021-04-14. Review status: criteria provided, single submitter. Criteria: Invitae Variant Classification Sherloc (09022015). Collection method: clinical testing. Allele origin: germline.
Comment: This sequence change replaces leucine with methionine at codon 113 of the TMEM127 protein (p.Leu113Met). The leucine residue is highly conserved and there is a small physicochemical difference between leucine and methionine. In summary, the available evidence is currently insufficient to determine the role of this variant in disease. Therefore, it has been classified as a Variant of Uncertain Significance. Algorithms developed to predict the effect of missense changes on protein structure and function are either unavailable or do not agree on the potential impact of this missense change (SIFT: "Deleterious"; PolyPhen-2: "Probably Damaging"; Align-GVGD: "Class C0"). This variant has not been reported in the literature in individuals with TMEM127-related conditions. This variant is not present in population databases (ExAC no frequency).